The following is an entry in ClinVar:

ClinVar aggregate classification (germline): Pathogenic (1 of 4 stars; one submission).

Conditions:
Cohen syndrome (COH1). Also called: Cutis verticis gyrata, retinitis pigmentosa, and sensorineural deafness; PEPPER SYNDROME. Identifiers: Orphanet 193, MedGen C0265223, MONDO:0008999, OMIM 216550.

Submission:

Labcorp Genetics (formerly Invitae), Labcorp
Classification: Pathogenic for Cohen syndrome. Last evaluated: 2022-10-26. Review status: criteria provided, single submitter. Criteria: Invitae Variant Classification Sherloc (09022015). Collection method: clinical testing. Allele origin: germline.
Comment: For these reasons, this variant has been classified as Pathogenic. This variant has not been reported in the literature in individuals affected with VPS13B-related conditions. This variant is a gross deletion of the genomic region encompassing exon(s) 30-32 of the VPS13B gene. This deletion is out-of-frame, and is expected to create a premature termination codon and result in an absent or disrupted protein product. Loss-of-function variants in VPS13B are known to be pathogenic (PMID: 15141358, 16648375, 20461111).

Literature cited by the submitters: PubMed 15141358; PubMed 16648375; PubMed 20461111.

NC_000008.10:g.(?_100533107)_(100588032_?)del

Gene: VPS13B (vacuolar protein sorting 13 homolog B; plus strand). Cytogenetic location: 8q22.2.
Variant type: Deletion.
Identifiers: ClinVar variation 2426391 (VCV002426391.4).